The following is an entry in ClinVar:

NM_033056.4(PCDH15):c.4840A>C (p.Ile1614Leu)

Gene: PCDH15 (protocadherin related 15; minus strand). Cytogenetic location: 10q21.1.
Variant type: single nucleotide variant.
Coding change: c.4840A>C on transcript NM_033056.4 (MANE Plus Clinical); coding-DNA position 4840, A replaced by C.
Protein change: p.Ile1614Leu; replaces isoleucine 1614 with leucine.
Molecular consequence: missense variant. On other transcripts: intron variant (8).
Genome position (GRCh38, 1-based): chr10:53,822,886, T>G on the plus strand (A>C on the coding strand, the complement: PCDH15 is on the minus strand). VCF-style: chr10-53822886-T-G. GRCh37 (hg19) VCF-style: chr10-55582646-T-G.
Other names: c.4861A>C, p.Ile1621Leu (NM_001142763.2); c.4846A>C, p.Ile1616Leu (NM_001142764.2); c.4633A>C, p.Ile1545Leu (NM_001142765.2); c.4831A>C, p.Ile1611Leu (NM_001142766.2); c.4720A>C, p.Ile1574Leu (NM_001142767.2); c.4780A>C, p.Ile1594Leu (NM_001142768.2); c.4771A>C, p.Ile1591Leu (NM_001142773.2); c.4774A>C, p.Ile1592Leu (NM_001354404.2); and 6 more; short protein forms I1545L, I1611L, I1621L, I1574L, I1591L, I1594L, I1592L, I1614L.
Identifiers: ClinVar variation 1488341 (VCV001488341.6), dbSNP rs2132503430, ClinGen allele CA376526456.

ClinVar aggregate classification (germline): Uncertain significance (1 of 4 stars; one submission).

Submission:

Labcorp Genetics (formerly Invitae), Labcorp
Classification: Uncertain significance. Last evaluated: 2021-08-28. Review status: criteria provided, single submitter. Criteria: Invitae Variant Classification Sherloc (09022015). Collection method: clinical testing. Allele origin: germline.
Comment: This sequence change replaces isoleucine with leucine at codon 1614 of the PCDH15 protein (p.Ile1614Leu). The isoleucine residue is weakly conserved and there is a small physicochemical difference between isoleucine and leucine. This variant is not present in population databases (ExAC no frequency). This variant has not been reported in the literature in individuals affected with PCDH15-related conditions. Algorithms developed to predict the effect of missense changes on protein structure and function (SIFT, PolyPhen-2, Align-GVGD) all suggest that this variant is likely to be tolerated. In summary, the available evidence is currently insufficient to determine the role of this variant in disease. Therefore, it has been classified as a Variant of Uncertain Significance.